The following is an entry in ClinVar:

NM_000179.3(MSH6):c.2703T>C (p.Arg901=)

Gene: MSH6 (mutS homolog 6; plus strand). Cytogenetic location: 2p16.3.
Variant type: single nucleotide variant.
Coding change: c.2703T>C on transcript NM_000179.3 (MANE Select); coding-DNA position 2703, T replaced by C.
Protein change: p.Arg901=; no amino-acid change (arginine 901 retained).
Molecular consequence: synonymous variant. On other transcripts: non-coding transcript variant (5), intron variant (2).
Genome position (GRCh38, 1-based): chr2:47,800,686, T>C. VCF-style: chr2-47800686-T-C. GRCh37 (hg19) VCF-style: chr2-48027825-T-C.
Other names: c.2313T>C, p.Arg771= (NM_001281492.2); c.1797T>C, p.Arg599= (NM_001281493.2, NM_001281494.2, NM_001406811.1 and 6 more transcripts); c.2799T>C, p.Arg933= (NM_001406795.1, NM_001406802.1); c.2703T>C, p.Arg901= (NM_001406796.1, NM_001406798.1, NM_001406800.1 and 2 more transcripts); c.2406T>C, p.Arg802= (NM_001406797.1, NM_001406801.1, NM_001406805.1 and 10 more transcripts); c.2178T>C, p.Arg726= (NM_001406799.1, NM_001406806.1, NM_001406807.1); c.2625T>C, p.Arg875= (NM_001406804.1); c.2709T>C, p.Arg903= (NM_001406813.1); and 4 more.
Identifiers: ClinVar variation 3903537 (VCV003903537.9).

ClinVar aggregate classification (germline): Benign/Likely benign. Review status: criteria provided, multiple submitters, no conflicts (2 of 4 stars). 2 submissions from 2 submitters: Benign (1); Likely benign (1). Last evaluated 2025-08-01.

Conditions:
Lynch syndrome 5 (LYNCH5). Also called: Hereditary non-polyposis colorectal cancer, type 5; Colorectal cancer, hereditary nonpolyposis, type 5. Identifiers: Orphanet 144, MedGen C1833477, MONDO:0013710, OMIM 614350. Disease mechanism: loss of function.

Submissions (2):

CeGaT Center for Human Genetics Tuebingen
Classification: Likely benign. Last evaluated: 2025-08-01. Review status: criteria provided, single submitter. Criteria: CeGaT Center For Human Genetics Tuebingen Variant Classification Criteria Version 2. Collection method: clinical testing. Allele origin: germline. Affected: yes. Observed: 1 variant allele.
Comment: MSH6: PM2:Supporting, BP4, BP7

Myriad Genetics, Inc.
Classification: Benign for Lynch syndrome 5. Last evaluated: 2025-01-02. Review status: criteria provided, single submitter. Criteria: Myriad Autosomal Dominant, Autosomal Recessive and X-Linked Classification Criteria (2023). Collection method: clinical testing. Allele origin: unknown.
Comment: This variant is considered benign. This variant is a silent/synonymous amino acid change and it is not expected to impact splicing.